The following is an entry in ClinVar:

NM_016111.4(TELO2):c.779C>T (p.Pro260Leu)

Gene: TELO2 (telomere maintenance 2; plus strand). Cytogenetic location: 16p13.3.
Variant type: single nucleotide variant.
Coding change: c.779C>T on transcript NM_016111.4 (MANE Select); coding-DNA position 779, C replaced by T.
Protein change: p.Pro260Leu; replaces proline 260 with leucine.
Molecular consequence: missense variant.
Genome position (GRCh38, 1-based): chr16:1,497,457, C>T. VCF-style: chr16-1497457-C-T. GRCh37 (hg19) VCF-style: chr16-1547458-C-T.
Other names: TELO2, PRO260LEU (rs369656775); c.779C>T, p.Pro260Leu (NM_001351846.2); short protein forms P260L.
Identifiers: ClinVar variation 236228 (VCV000236228.8), dbSNP rs369656775, ClinGen allele CA10581571.
Genomic context (GRCh38, chr16:1,497,457, plus strand): 5'-CGCTCACCCAGGGCAGCTACCTGCACCAGCGCGTCTGCTGGCGCCTGGTGGAGCAAGTGC[C>T]GGACCGGGCCATGGAGGCTGTGCTGACCGGGCTGGTGGAGGCCGCACTGGGGTAAGCAGC-3'
Protein context (NP_057195.2, residues 250-270): RVCWRLVEQV[Pro260Leu]DRAMEAVLTG

ClinVar aggregate classification (germline): Conflicting classifications of pathogenicity. Review status: criteria provided, conflicting classifications (1 of 4 stars). 3 submissions from 3 submitters: Pathogenic (1); Uncertain significance (1). 1 of the submissions does not count toward it. Last evaluated 2022-08-22.

Conditions:
TELO2-related intellectual disability-neurodevelopmental disorder. Also called: You-Hoover-Fong syndrome. Identifiers: Orphanet 488642, MedGen C4310778, MONDO:0014848, OMIM 616954.

Allele frequency attached by ClinVar (database versions not stated): ESP Exome Variant Server 0.00008; gnomAD exomes 0.00001; TOPMed 0.00001; gnomAD 0.00001.
gnomAD v4.1: 11 of 1,572,746 alleles (0.0007%); highest among the groups gnomAD compares: African/African-American, 0.0014%; no homozygotes.

Submissions (3):

Labcorp Genetics (formerly Invitae), Labcorp
Classification: Uncertain significance. Last evaluated: 2022-08-22. Review status: criteria provided, single submitter. Criteria: Invitae Variant Classification Sherloc (09022015). Collection method: clinical testing. Allele origin: germline.
Comment: This sequence change replaces proline, which is neutral and non-polar, with leucine, which is neutral and non-polar, at codon 260 of the TELO2 protein (p.Pro260Leu). In summary, the available evidence is currently insufficient to determine the role of this variant in disease. Therefore, it has been classified as a Variant of Uncertain Significance. Advanced modeling of protein sequence and biophysical properties (such as structural, functional, and spatial information, amino acid conservation, physicochemical variation, residue mobility, and thermodynamic stability) performed at Invitae indicates that this missense variant is expected to disrupt TELO2 protein function. ClinVar contains an entry for this variant (Variation ID: 236228). This missense change has been observed in individual(s) with clinical features of You-Hoover-Fong syndrome (PMID: 27132593). The frequency data for this variant in the population databases is considered unreliable, as metrics indicate poor data quality at this position in the gnomAD database.

Baylor-Hopkins Center for Mendelian Genomics, Johns Hopkins University School of Medicine
Classification: Pathogenic for TELO2-related intellectual disability-neurodevelopmental disorder. Review status: criteria provided, single submitter. Criteria: Submitter's publication. Collection method: research. Allele origin: germline. Affected: yes. Observed: 1 variant allele, 1 compound heterozygote.

OMIM
Classification: Pathogenic for YOU-HOOVER-FONG SYNDROME. Last evaluated: 2019-09-10. Review status: no assertion criteria provided. Collection method: literature only. Allele origin: germline. Not counted in ClinVar's aggregate classification.

Literature cited by the submitters: PubMed 27132593 (cited by Labcorp Genetics (formerly Invitae), Labcorp and OMIM).